The following is an entry in ClinVar:

NM_002769.5(PRSS1):c.103G>C (p.Val35Leu)

Genes: TRB (T cell receptor beta locus; plus strand), PRSS1 (serine protease 1; plus strand). Cytogenetic location: 7q34.
Variant type: single nucleotide variant.
Coding change: c.103G>C on transcript NM_002769.5 (MANE Select); coding-DNA position 103, G replaced by C.
Protein change: p.Val35Leu; replaces valine 35 with leucine.
Molecular consequence: missense variant.
Genome position (GRCh38, 1-based): chr7:142,750,617, G>C. VCF-style: chr7-142750617-G-C. GRCh37 (hg19) VCF-style: chr7-142458468-G-C.
Other names: short protein forms V35L.
Identifiers: ClinVar variation 1418756 (VCV001418756.8), dbSNP rs1286351441, ClinGen allele CA369607229.

ClinVar aggregate classification (germline): Uncertain significance (1 of 4 stars; one submission).

Conditions:
Hereditary pancreatitis (PCTT). Also called: Hereditary chronic pancreatitis; PRSS1-Related Hereditary Pancreatitis. Identifiers: Orphanet 676, MedGen C0238339, MONDO:0008185, OMIM 167800.

Allele frequency attached by ClinVar (database versions not stated): gnomAD exomes below 0.00001.
gnomAD v4.1: 2 of 1,614,024 alleles (0.00012%); highest among the groups gnomAD compares: East Asian, 0.0022%; no homozygotes.

Submission:

Labcorp Genetics (formerly Invitae), Labcorp
Classification: Uncertain significance for Hereditary pancreatitis. Last evaluated: 2024-04-15. Review status: criteria provided, single submitter. Criteria: Invitae Variant Classification Sherloc (09022015). Collection method: clinical testing. Allele origin: germline.
Comment: This sequence change replaces valine, which is neutral and non-polar, with leucine, which is neutral and non-polar, at codon 35 of the PRSS1 protein (p.Val35Leu). The frequency data for this variant in the population databases is considered unreliable, as metrics indicate poor data quality at this position in the gnomAD database. This variant has not been reported in the literature in individuals affected with PRSS1-related conditions. ClinVar contains an entry for this variant (Variation ID: 1418756). Advanced modeling of protein sequence and biophysical properties (such as structural, functional, and spatial information, amino acid conservation, physicochemical variation, residue mobility, and thermodynamic stability) performed at Invitae indicates that this missense variant is not expected to disrupt PRSS1 protein function with a negative predictive value of 80%. In summary, the available evidence is currently insufficient to determine the role of this variant in disease. Therefore, it has been classified as a Variant of Uncertain Significance.